The following is an entry in ClinVar:

ClinVar aggregate classification (germline): Uncertain significance (1 of 4 stars; one submission).

Conditions:
Glycine encephalopathy. Also called: Nonketotic hyperglycinemia; Non-ketotic hyperglycinemia. Identifiers: Orphanet 407, MedGen C0751748, MONDO:0011612, HP:0008288.

Submission:

Labcorp Genetics (formerly Invitae), Labcorp
Classification: Uncertain significance for Glycine encephalopathy. Last evaluated: 2022-03-04. Review status: criteria provided, single submitter. Criteria: Invitae Variant Classification Sherloc (09022015). Collection method: clinical testing. Allele origin: germline.
Comment: In summary, the available evidence is currently insufficient to determine the role of this variant in disease. Therefore, it has been classified as a Variant of Uncertain Significance. Algorithms developed to predict the effect of missense changes on protein structure and function are either unavailable or do not agree on the potential impact of this missense change (SIFT: "Not Available"; PolyPhen-2: "Probably Damaging"; Align-GVGD: "Not Available"). This variant has not been reported in the literature in individuals affected with GLDC-related conditions. Information on the frequency of this variant in the gnomAD database is not available, as this variant may be reported differently in the database. This sequence change replaces alanine, which is neutral and non-polar, with phenylalanine, which is neutral and non-polar, at codon 803 of the GLDC protein (p.Ala803Phe).

NM_000170.3(GLDC):c.2407_2408delinsTT (p.Ala803Phe)

Gene: GLDC (glycine decarboxylase; minus strand). Cytogenetic location: 9p24.1.
Variant type: Indel.
Coding change: c.2407_2408delinsTT on transcript NM_000170.3 (MANE Select); coding-DNA positions 2407 to 2408, GC replaced by TT.
Protein change: p.Ala803Phe; replaces alanine 803 with phenylalanine.
Molecular consequence: missense variant.
Genome position (GRCh38, 1-based): chr9:6,553,417-6,553,418, GC replaced by AA on the plus strand (GC replaced by TT on the coding strand, the reverse complement: GLDC is on the minus strand). VCF-style: chr9-6553417-GC-AA. GRCh37 (hg19) VCF-style: chr9-6553417-GC-AA.
Other names: short protein forms A803F.
Identifiers: ClinVar variation 2106879 (VCV002106879.4), dbSNP rs2489031783, ClinGen allele CA2580080231.